The following is an entry in ClinVar:

NM_023110.3(FGFR1):c.2425C>T (p.Arg809Ter)

Gene: FGFR1 (fibroblast growth factor receptor 1; minus strand). Cytogenetic location: 8p11.23.
Variant type: single nucleotide variant.
Coding change: c.2425C>T on transcript NM_023110.3 (MANE Select); coding-DNA position 2425, C replaced by T.
Protein change: p.Arg809Ter; replaces arginine 809 with a stop codon.
Molecular consequence: nonsense. On other transcripts: intron variant (3).
Genome position (GRCh38, 1-based): chr8:38,413,672, G>A on the plus strand (C>T on the coding strand, the complement: FGFR1 is on the minus strand). VCF-style: chr8-38413672-G-A. GRCh37 (hg19) VCF-style: chr8-38271190-G-A.
Other names: p.Arg807Ter; c.2425C>T, p.Arg809Ter (NM_000604.2); c.2419C>T, p.Arg807Ter (NM_001174063.2, NM_001174065.2, NM_015850.4); c.2395C>T, p.Arg799Ter (NM_001174064.2); c.2158C>T, p.Arg720Ter (NM_001174066.2, NM_023105.3); c.2518C>T, p.Arg840Ter (NM_001174067.2); c.2146C>T, p.Arg716Ter (NM_001354368.2); c.2413C>T, p.Arg805Ter (NM_001410922.1); and 4 more; short protein forms R799*, R809*, R718*, R720*, R805*, R716*, R807*, R840*.
Identifiers: ClinVar variation 2945458 (VCV002945458.6), dbSNP rs775166971, ClinGen allele CA4718074.
Genomic context (GRCh38, chr8:38,413,672, plus strand): 5'-GGCGTGTGGGTGGCAGTCAGCGGCGTTTGAGTCCGCCATTGGCAAGCTGGGCTGGGTGTC[G>A]GGGCAGGCAGGGCTCCTCGGGCAGCGGCTCATGAGAGAAGACGGAATCCTCCCCTGAGGA-3'

ClinVar aggregate classification (germline): Conflicting classifications of pathogenicity. Review status: criteria provided, conflicting classifications (1 of 4 stars). 3 submissions from 3 submitters: Likely pathogenic (1); Uncertain significance (2). Last evaluated 2024-04-23.

Conditions:
Pfeiffer syndrome (ACS5). Also called: ACS V. Identifiers: Orphanet 710, MedGen C0220658, MONDO:0007043, OMIM 101600.
Trigonocephaly 1 (TRIGNO1). Identifiers: Orphanet 3366, MedGen C0432122, MONDO:0008603, OMIM 190440.
Hypogonadotropic hypogonadism 2 with or without anosmia (HH2). Also called: FGFR1-Related GnRH Deficiency (Kallmann Syndrome 2); HYPOGONADOTROPIC HYPOGONADISM 2 WITHOUT ANOSMIA; HYPOGONADOTROPIC HYPOGONADISM 2 WITH OR WITHOUT ANOSMIA, SUSCEPTIBILITY TO; HYPOGONADOTROPIC HYPOGONADISM 2 WITHOUT ANOSMIA, SUSCEPTIBILITY TO. Identifiers: Orphanet 478, MedGen C1563720, MONDO:0007844, OMIM 147950. Disease mechanism: loss of function.
Jackson-Weiss syndrome (JWS). Also called: CRANIOSYNOSTOSIS, MIDFACIAL HYPOPLASIA, AND FOOT ABNORMALITIES. Identifiers: Orphanet 1540, MedGen C0795998, MONDO:0007400, OMIM 123150. Disease mechanism: loss of function.
Osteoglophonic dysplasia (OGD). Also called: Osteoglophonic dwarfism. Identifiers: Orphanet 2645, MedGen C0432283, MONDO:0008150, OMIM 166250.
Encephalocraniocutaneous lipomatosis (ECCL). Identifiers: Orphanet 2396, MedGen C0406612, MONDO:0013074, OMIM 613001.
Hartsfield-Bixler-Demyer syndrome (HRTFDS). Also called: Holoprosencephaly, ectrodactyly, and bilateral cleft lip/palate; Hartsfield syndrome; FGFR1-Related Hartsfield Syndrome. Identifiers: Orphanet 2117, MedGen C1845146, MONDO:0014196, OMIM 615465. Disease mechanism: loss of function.

Allele frequency attached by ClinVar (database versions not stated): gnomAD 0.00001; ExAC 0.00002; gnomAD exomes 0.00002; TOPMed 0.00002.
gnomAD v4.1: 32 of 1,613,100 alleles (0.002%); highest among the groups gnomAD compares: Middle Eastern, 0.099%; no homozygotes.

Submissions (3):

Fulgent Genetics
Classification: Uncertain significance for Pfeiffer syndrome; Jackson-Weiss syndrome; Hypogonadotropic hypogonadism 2 with or without anosmia; Osteoglophonic dysplasia; Trigonocephaly 1; Encephalocraniocutaneous lipomatosis; Hartsfield-Bixler-Demyer syndrome. Last evaluated: 2024-04-23. Review status: criteria provided, single submitter. Criteria: ACMG Guidelines, 2015. Collection method: clinical testing. Allele origin: germline.

Labcorp Genetics (formerly Invitae), Labcorp
Classification: Uncertain significance for Pfeiffer syndrome; Hypogonadotropic hypogonadism 2 with or without anosmia. Last evaluated: 2023-12-11. Review status: criteria provided, single submitter. Criteria: Invitae Variant Classification Sherloc (09022015). Collection method: clinical testing. Allele origin: germline.
Comment: This sequence change creates a premature translational stop signal (p.Arg809*) in the FGFR1 gene. While this is not anticipated to result in nonsense mediated decay, it is expected to disrupt the last 14 amino acid(s) of the FGFR1 protein. This variant is present in population databases (rs775166971, gnomAD 0.006%). This variant has not been reported in the literature in individuals affected with FGFR1-related conditions. Experimental studies and prediction algorithms are not available or were not evaluated, and the functional significance of this variant is currently unknown. In summary, the available evidence is currently insufficient to determine the role of this variant in disease. Therefore, it has been classified as a Variant of Uncertain Significance.

Breakthrough Genomics
Classification: Likely pathogenic for Hartsfield-Bixler-Demyer syndrome. Last evaluated: 2022-02-11. Review status: criteria provided, single submitter. Criteria: ACMG Guidelines, 2015. Collection method: clinical testing. Allele origin: germline. Affected: yes.
Comment: This variant is predicted to cause a premature termination of the protein (p.Arg807Ter) and the resultant protein will likely to lack C-terminal region of the protein [UniProt]; this will likely result in loss-of-function. The variant has not been reported in individuals affected with FGFR1-related disorders. However, another truncating variant p.Arg821fs lying downstream of this variant, has been previously reported as ‘likely pathogenic’ in the ClinVar database context of hypogonadotropic hypogonadism 2 with or without anosmia.